The following is an entry in ClinVar:

ClinVar aggregate classification (germline): Uncertain significance (1 of 4 stars; one submission).

Conditions:
Hereditary cancer-predisposing syndrome. Also called: Neoplastic Syndromes, Hereditary; Tumor predisposition; Hereditary neoplastic syndrome; Hereditary Cancer Syndrome. Identifiers: Orphanet 140162, MedGen C0027672, MeSH D009386, MONDO:0015356.

Submission:

Ambry Genetics
Classification: Uncertain significance for Hereditary cancer-predisposing syndrome. Last evaluated: 2026-07-06. Review status: criteria provided, single submitter. Criteria: Ambry Variant Classification Scheme 2023. Collection method: clinical testing. Allele origin: germline.
Comment: The p.P702A variant (also known as c.2104C>G), located in coding exon 8 of the BLM gene, results from a C to G substitution at nucleotide position 2104. The proline at codon 702 is replaced by alanine, an amino acid with highly similar properties. This amino acid position is conserved. In addition, this alteration is predicted to be deleterious by in silico analysis. Based on the available evidence, the clinical significance of this variant remains unclear.

NM_000057.4(BLM):c.2104C>G (p.Pro702Ala)

Gene: BLM (BLM RecQ like helicase; plus strand). Cytogenetic location: 15q26.1.
Variant type: single nucleotide variant.
Coding change: c.2104C>G on transcript NM_000057.4 (MANE Select); coding-DNA position 2104, C replaced by G.
Protein change: p.Pro702Ala; replaces proline 702 with alanine.
Molecular consequence: missense variant.
Genome position (GRCh38, 1-based): chr15:90,765,325, C>G. VCF-style: chr15-90765325-C-G. GRCh37 (hg19) VCF-style: chr15-91308555-C-G.
Other names: c.2104C>G, p.Pro702Ala (NM_001287246.2, NM_001287247.2); c.979C>G, p.Pro327Ala (NM_001287248.2); short protein forms P702A, P327A.
Identifiers: ClinVar variation 5032878 (VCV005032878.1).